The following is an entry in ClinVar:

ClinVar aggregate classification (germline): Uncertain significance (1 of 4 stars; one submission).

Conditions:
Meckel syndrome, type 11 (MKS11). Identifiers: Orphanet 564, MedGen C3809352, MONDO:0014164, OMIM 615397.
Joubert syndrome 20 (JBTS20). Identifiers: Orphanet 475, MedGen C3554235, MONDO:0013994, OMIM 614970.

Submission:

Labcorp Genetics (formerly Invitae), Labcorp
Classification: Uncertain significance for Joubert syndrome 20; Meckel syndrome, type 11. Last evaluated: 2023-06-26. Review status: criteria provided, single submitter. Criteria: Invitae Variant Classification Sherloc (09022015). Collection method: clinical testing. Allele origin: germline.
Comment: In summary, the available evidence is currently insufficient to determine the role of this variant in disease. Therefore, it has been classified as a Variant of Uncertain Significance. Experimental studies and prediction algorithms are not available or were not evaluated, and the functional significance of this variant is currently unknown. ClinVar contains an entry for this variant (Variation ID: 1993635). This variant has not been reported in the literature in individuals affected with TMEM231-related conditions. This variant is not present in population databases (gnomAD no frequency). This sequence change replaces asparagine, which is neutral and polar, with serine, which is neutral and polar, at codon 226 of the TMEM231 protein (p.Asn226Ser).

NM_001077418.3(TMEM231):c.518A>G (p.Asn173Ser)

Gene: TMEM231 (transmembrane protein 231; minus strand). Cytogenetic location: 16q23.1.
Variant type: single nucleotide variant.
Coding change: c.518A>G on transcript NM_001077418.3 (MANE Select); coding-DNA position 518, A replaced by G.
Protein change: p.Asn173Ser; replaces asparagine 173 with serine.
Molecular consequence: missense variant. On other transcripts: non-coding transcript variant (1).
Genome position (GRCh38, 1-based): chr16:75,545,416, T>C on the plus strand (A>G on the coding strand, the complement: TMEM231 is on the minus strand). VCF-style: chr16-75545416-T-C. GRCh37 (hg19) VCF-style: chr16-75579314-T-C.
Other names: c.677A>G, p.Asn226Ser (NM_001077416.2); short protein forms N173S, N226S.
Identifiers: ClinVar variation 1993635 (VCV001993635.4), dbSNP rs2507328920, ClinGen allele CA396806726.